The following is an entry in ClinVar:

NM_015512.5(DNAH1):c.9568G>A (p.Glu3190Lys)

Gene: DNAH1 (dynein axonemal heavy chain 1; plus strand). Cytogenetic location: 3p21.1.
Variant type: single nucleotide variant.
Coding change: c.9568G>A on transcript NM_015512.5 (MANE Select); coding-DNA position 9568, G replaced by A.
Protein change: p.Glu3190Lys; replaces glutamic acid 3190 with lysine.
Molecular consequence: missense variant.
Genome position (GRCh38, 1-based): chr3:52,389,533, G>A. VCF-style: chr3-52389533-G-A. GRCh37 (hg19) VCF-style: chr3-52423549-G-A.
Other names: c.9568G>A (NM_015512.4); short protein forms E3190K.
Identifiers: ClinVar variation 1520795 (VCV001520795.7), dbSNP rs569771220, ClinGen allele CA2435571.
Genomic context (GRCh38, chr3:52,389,533, plus strand): 5'-ACGGTGCTCTACGACAGCTGGGTCAAGCAGCTCAGGAGCCACAATGTCCCACACACCTCC[G>A]AGCCCACGCTAATCGGGACGCTGGGGAACCCTGTGAAGATCCGATCGTGGCAGGTGCCCA-3'
Protein context (NP_056327.4, residues 3180-3200): LRSHNVPHTS[Glu3190Lys]PTLIGTLGNP

ClinVar aggregate classification (germline): Uncertain significance. Review status: criteria provided, multiple submitters, no conflicts (2 of 4 stars). 2 submissions from 2 submitters: Uncertain significance (2). Last evaluated 2024-01-30.

Conditions:
Spermatogenic failure 18. Identifiers: MedGen C4539783, MONDO:0054615, OMIM 617576.
Ciliary dyskinesia, primary, 37 (CILD37). Also called: CILIARY DYSKINESIA, PRIMARY, 37, WITH OR WITHOUT SITUS INVERSUS. Identifiers: MedGen C4539798, MONDO:0033204, OMIM 617577.

Allele frequency attached by ClinVar (database versions not stated): gnomAD 0.00004 and 0.00006; gnomAD exomes 0.00005; TOPMed 0.00005; ExAC 0.00009; 1000 Genomes Project 30x 0.00016; 1000 Genomes Project 0.00020.
gnomAD v4.1: 76 of 1,578,248 alleles (0.0048%); highest among the groups gnomAD compares: East Asian, 0.021%; no homozygotes.

Submissions (2):

Ambry Genetics
Classification: Uncertain significance. Last evaluated: 2024-01-30. Review status: criteria provided, single submitter. Criteria: Ambry Variant Classification Scheme 2023. Collection method: clinical testing. Allele origin: germline.

Labcorp Genetics (formerly Invitae), Labcorp
Classification: Uncertain significance for Ciliary dyskinesia, primary, 37; Spermatogenic failure 18. Last evaluated: 2023-10-13. Review status: criteria provided, single submitter. Criteria: Invitae Variant Classification Sherloc (09022015). Collection method: clinical testing. Allele origin: germline.
Comment: This sequence change replaces glutamic acid, which is acidic and polar, with lysine, which is basic and polar, at codon 3190 of the DNAH1 protein (p.Glu3190Lys). This variant is present in population databases (rs569771220, gnomAD 0.02%). This variant has not been reported in the literature in individuals affected with DNAH1-related conditions. ClinVar contains an entry for this variant (Variation ID: 1520795). Advanced modeling of protein sequence and biophysical properties (such as structural, functional, and spatial information, amino acid conservation, physicochemical variation, residue mobility, and thermodynamic stability) performed at Invitae indicates that this missense variant is not expected to disrupt DNAH1 protein function. In summary, the available evidence is currently insufficient to determine the role of this variant in disease. Therefore, it has been classified as a Variant of Uncertain Significance.